The following is an entry in ClinVar:

NM_000152.5(GAA):c.2389G>A (p.Ala797Thr)

Gene: GAA (alpha glucosidase; plus strand). Cytogenetic location: 17q25.3.
Variant type: single nucleotide variant.
Coding change: c.2389G>A on transcript NM_000152.5 (MANE Select); coding-DNA position 2389, G replaced by A.
Protein change: p.Ala797Thr; replaces alanine 797 with threonine.
Molecular consequence: missense variant.
Genome position (GRCh38, 1-based): chr17:80,117,657, G>A. VCF-style: chr17-80117657-G-A. GRCh37 (hg19) VCF-style: chr17-78091456-G-A.
Other names: c.2389G>A (LRG_673t1); c.2389G>A, p.Ala797Thr (NM_001079803.3, NM_001079804.3); short protein forms A797T.
Identifiers: ClinVar variation 662444 (VCV000662444.4), dbSNP rs539031621, ClinGen allele CA8815723.

ClinVar aggregate classification (germline): Uncertain significance. Review status: criteria provided, single submitter (1 of 4 stars). 2 submissions from 2 submitters: Uncertain significance (1). 1 of the submissions does not count toward it. Last evaluated 2022-03-29.

Conditions:
Glycogen storage disease, type II (IOPD). Also called: CARDIOMEGALIA GLYCOGENICA DIFFUSA; Glucosidase acid-1,4-alpha deficiency; GLYCOGENOSIS, GENERALIZED, CARDIAC FORM; GSD II; ACID MALTASE DEFICIENCY, INFANTILE-ONSET; POMPE DISEASE, INFANTILE-ONSET. Identifiers: Orphanet 365, MedGen C0017921, MONDO:0009290, OMIM 232300.

Allele frequency attached by ClinVar (database versions not stated): gnomAD below 0.00001 and 0.00003; gnomAD exomes 0.00002; ExAC 0.00005; 1000 Genomes Project 30x 0.00047; 1000 Genomes Project 0.00060.
gnomAD v4.1: 35 of 1,612,836 alleles (0.0022%); highest among the groups gnomAD compares: South Asian, 0.036%; no homozygotes.

Submissions (2):

Labcorp Genetics (formerly Invitae), Labcorp
Classification: Uncertain significance for Glycogen storage disease, type II. Last evaluated: 2022-03-29. Review status: criteria provided, single submitter. Criteria: Invitae Variant Classification Sherloc (09022015). Collection method: clinical testing. Allele origin: germline.
Comment: This sequence change replaces alanine, which is neutral and non-polar, with threonine, which is neutral and polar, at codon 797 of the GAA protein (p.Ala797Thr). This variant is present in population databases (rs539031621, gnomAD 0.02%). This variant has not been reported in the literature in individuals affected with GAA-related conditions. ClinVar contains an entry for this variant (Variation ID: 662444). Advanced modeling of protein sequence and biophysical properties (such as structural, functional, and spatial information, amino acid conservation, physicochemical variation, residue mobility, and thermodynamic stability) performed at Invitae indicates that this missense variant is not expected to disrupt GAA protein function. In summary, the available evidence is currently insufficient to determine the role of this variant in disease. Therefore, it has been classified as a Variant of Uncertain Significance.

Natera, Inc.
Classification: Uncertain significance for Glycogen storage disease type II. Last evaluated: 2020-03-11. Review status: no assertion criteria provided. Collection method: clinical testing. Allele origin: germline. Not counted in ClinVar's aggregate classification.